The following is an entry in ClinVar:

NM_001211.6(BUB1B):c.2144-4_2144-3del

Gene: BUB1B (BUB1 mitotic checkpoint serine/threonine kinase B; plus strand). Cytogenetic location: 15q15.1.
Variant type: Deletion.
Coding change: c.2144-4_2144-3del on transcript NM_001211.6 (MANE Select); 4 bases into the intron before coding-DNA position 2144 through 3 bases into the intron before coding-DNA position 2144, 2 bases deleted (GC; older notation c.2144-4_2144-3delGC).
Molecular consequence: intron variant.
Genome position (GRCh38, 1-based): chr15:40,209,631-40,209,632, GC deleted. VCF-style (leftmost placement, unchanged base first): chr15-40209630-GGC-G. GRCh37 (hg19) VCF-style: chr15-40501831-GGC-G.
Identifiers: ClinVar variation 2909853 (VCV002909853.3), dbSNP rs2542571538, ClinGen allele CA2739279501.

ClinVar aggregate classification (germline): Uncertain significance (1 of 4 stars; one submission).

Conditions:
Mosaic variegated aneuploidy syndrome 1 (MVA1). Also called: Warburton-Anyane-Yeboa syndrome. Identifiers: Orphanet 1052, MedGen C1850343, MONDO:0009759, OMIM 257300.

Submission:

Labcorp Genetics (formerly Invitae), Labcorp
Classification: Uncertain significance for Mosaic variegated aneuploidy syndrome 1. Last evaluated: 2023-03-26. Review status: criteria provided, single submitter. Criteria: Invitae Variant Classification Sherloc (09022015). Collection method: clinical testing. Allele origin: germline.
Comment: This sequence change falls in intron 16 of the BUB1B gene. It does not directly change the encoded amino acid sequence of the BUB1B protein. It affects a nucleotide within the consensus splice site. This variant is not present in population databases (gnomAD no frequency). In summary, the available evidence is currently insufficient to determine the role of this variant in disease. Therefore, it has been classified as a Variant of Uncertain Significance. Variants that disrupt the consensus splice site are a relatively common cause of aberrant splicing (PMID: 17576681, 9536098). Algorithms developed to predict the effect of sequence changes on RNA splicing suggest that this variant may disrupt the consensus splice site. This variant has not been reported in the literature in individuals affected with BUB1B-related conditions.

Literature cited by the submitters: PubMed 17576681; PubMed 9536098.